The following is an entry in ClinVar:

ClinVar aggregate classification (germline): Uncertain significance. Review status: criteria provided, multiple submitters, no conflicts (2 of 4 stars). 2 submissions from 2 submitters: Uncertain significance (2). Last evaluated 2025-06-28.

Conditions:
Familial thoracic aortic aneurysm and aortic dissection (TAAD). Also called: Thoracic aortic aneurysms and dissections. Identifiers: Orphanet 91387, MedGen C4707243, MONDO:0019625.

Allele frequency attached by ClinVar (database versions not stated): gnomAD exomes below 0.00001; TOPMed below 0.00001.
gnomAD v4.1: 2 of 1,614,224 alleles (0.00012%); highest among the groups gnomAD compares: African/African-American, 0.0027%; no homozygotes.

Submissions (2):

GeneDx
Classification: Uncertain significance. Last evaluated: 2025-06-28. Review status: criteria provided, single submitter. Criteria: GeneDx Variant Classification Process June 2021. Collection method: clinical testing. Allele origin: germline. Affected: yes.
Comment: Not observed at significant frequency in large population cohorts (gnomAD); In silico analysis suggests that this missense variant does not alter protein structure/function; Has not been previously published as pathogenic or benign to our knowledge

Ambry Genetics
Classification: Uncertain significance for Familial thoracic aortic aneurysm and aortic dissection. Last evaluated: 2021-12-03. Review status: criteria provided, single submitter. Criteria: Ambry Variant Classification Scheme 2023. Collection method: clinical testing. Allele origin: germline.
Comment: The p.H11Q variant (also known as c.33C>A), located in coding exon 1 of the MYLK gene, results from a C to A substitution at nucleotide position 33. The histidine at codon 11 is replaced by glutamine, an amino acid with highly similar properties. This amino acid position is conserved. In addition, this alteration is predicted to be tolerated by in silico analysis. Since supporting evidence is limited at this time, the clinical significance of this alteration remains unclear.

NM_053025.4(MYLK):c.33C>A (p.His11Gln)

Gene: MYLK (myosin light chain kinase; minus strand). Cytogenetic location: 3q21.1.
Variant type: single nucleotide variant.
Coding change: c.33C>A on transcript NM_053025.4 (MANE Select); coding-DNA position 33, C replaced by A.
Protein change: p.His11Gln; replaces histidine 11 with glutamine.
Molecular consequence: missense variant. On other transcripts: 5 prime UTR variant (1).
Genome position (GRCh38, 1-based): chr3:123,793,809, G>T on the plus strand (C>A on the coding strand, the complement: MYLK is on the minus strand). VCF-style: chr3-123793809-G-T. GRCh37 (hg19) VCF-style: chr3-123512656-G-T.
Other names: c.-288C>A (NM_001321309.2); c.33C>A, p.His11Gln (NM_053026.4, NM_053027.4, NM_053028.4); short protein forms H11Q.
Identifiers: ClinVar variation 1731008 (VCV001731008.3), dbSNP rs2064881269, ClinGen allele CA354237309.
Genomic context (GRCh38, chr3:123,793,809, plus strand): 5'-CTCTGTCAGGGGCATGGAGTCAACTCTTGAGGGATCCACACTGAGGGAGGTTTTGGAAAT[G>T]TGTGACGAGGCAACCAGCTTCACATCCCCCATGGTCTGCAAAAAGGAAGGAAGAGGACAA-3'
Protein context (NP_444253.3, residues 1-21): MGDVKLVASS[His11Gln]ISKTSLSVDP